The following is an entry in ClinVar:

ClinVar aggregate classification (germline): Likely benign (1 of 4 stars; one submission).

Allele frequency attached by ClinVar (database versions not stated): 1000 Genomes Project 30x 0.00078; 1000 Genomes Project 0.02576.

Submission:

CeGaT Center for Human Genetics Tuebingen
Classification: Likely benign. Last evaluated: 2023-08-01. Review status: criteria provided, single submitter. Criteria: CeGaT Center For Human Genetics Tuebingen Variant Classification Criteria Version 2. Collection method: clinical testing. Allele origin: germline. Affected: yes. Observed: 1 variant allele.
Comment: MUC12: BP4, BS2

NM_001164462.2(MUC12):c.3398G>A (p.Arg1133His)

Gene: MUC12 (mucin 12, cell surface associated; plus strand). Cytogenetic location: 7q22.1.
Variant type: single nucleotide variant.
Coding change: c.3398G>A on transcript NM_001164462.2 (MANE Select); coding-DNA position 3398, G replaced by A.
Protein change: p.Arg1133His; replaces arginine 1133 with histidine.
Molecular consequence: missense variant.
Genome position (GRCh38, 1-based): chr7:100,993,961, G>A. VCF-style: chr7-100993961-G-A. GRCh37 (hg19) VCF-style: chr7-100637242-G-A.
Other names: short protein forms R1133H.
Identifiers: ClinVar variation 2657807 (VCV002657807.24), dbSNP rs10248292, ClinGen allele CA4399485.
Genomic context (GRCh38, chr7:100,993,961, plus strand): 5'-CAACACTCTCACCTGCCAGCATGACAAGCCTGGGCGTCGGTGAAGAATCCACCACCTCCC[G>A]TAGCCAACCAGGTTCTACTCACTCAACAGTGTCACCTGCCAGCACCACCACGCCAGGCCT-3'
Protein context (NP_001157934.1, residues 1123-1143): LGVGEESTTS[Arg1133His]SQPGSTHSTV